The following is an entry in ClinVar:

NM_170606.3(KMT2C):c.12195G>A (p.Ala4065=)

Gene: KMT2C (lysine methyltransferase 2C; minus strand). Cytogenetic location: 7q36.1.
Variant type: single nucleotide variant.
Coding change: c.12195G>A on transcript NM_170606.3 (MANE Select); coding-DNA position 12195, G replaced by A.
Protein change: p.Ala4065=; no amino-acid change (alanine 4065 retained).
Molecular consequence: synonymous variant.
Genome position (GRCh38, 1-based): chr7:152,154,091, C>T on the plus strand (G>A on the coding strand, the complement: KMT2C is on the minus strand). VCF-style: chr7-152154091-C-T. GRCh37 (hg19) VCF-style: chr7-151851176-C-T.
Identifiers: ClinVar variation 780728 (VCV000780728.14), dbSNP rs73730361, ClinGen allele CA4578855.
Genomic context (GRCh38, chr7:152,154,091, plus strand): 5'-AGTAATTGCTACAGATATAAGACCTGATCTGGGACCATTTGGGGAAGGACCAAAAGGTGA[C>T]GCAAAATATAAAGTGCCTGGCTCAGTTTTGATGTCATTCCTTCTTGATTCTGAACCTTTA-3'
Protein context (NP_733751.2, residues 4055-4075): IKTEPGTLYF[Ala4065=]SPFGPSPNGP

ClinVar aggregate classification (germline): Benign. Review status: criteria provided, multiple submitters, no conflicts (2 of 4 stars). 3 submissions from 3 submitters: Benign (2). 1 of the submissions does not count toward it. Last evaluated 2025-12-26.

Conditions:
KMT2C-related disorder. Also called: KMT2C-related condition; KMT2C-related disorders.

Allele frequency attached by ClinVar (database versions not stated): gnomAD exomes 0.00306; ExAC 0.00358; 1000 Genomes Project 0.01018; 1000 Genomes Project 30x 0.01046; gnomAD 0.01180 and 0.01261; ESP Exome Variant Server 0.01184; TOPMed 0.01304.
gnomAD v4.1: 3,505 of 1,613,866 alleles (0.22%); highest among the groups gnomAD compares: African/African-American, 4.1%; 69 homozygotes.

Submissions (3):

Labcorp Genetics (formerly Invitae), Labcorp
Classification: Benign. Last evaluated: 2025-12-26. Review status: criteria provided, single submitter. Criteria: Invitae Variant Classification Sherloc (09022015). Collection method: clinical testing. Allele origin: germline.

Breakthrough Genomics
Classification: Benign. Review status: criteria provided, single submitter. Criteria: ACMG Guidelines, 2015. Collection method: not provided. Allele origin: germline. Inheritance: Autosomal dominant inheritance. Affected: yes.

PreventionGenetics, part of Exact Sciences
Classification: Benign for KMT2C-related condition. Last evaluated: 2022-03-16. Review status: no assertion criteria provided. Collection method: clinical testing. Allele origin: germline. Not counted in ClinVar's aggregate classification.
Comment: This variant is classified as benign based on ACMG/AMP sequence variant interpretation guidelines (Richards et al. 2015 PMID: 25741868, with internal and published modifications).